The following is an entry in ClinVar:

ClinVar aggregate classification (germline): Pathogenic/Likely pathogenic. Review status: criteria provided, multiple submitters, no conflicts (2 of 4 stars). 2 submissions from 2 submitters: Pathogenic (1); Likely pathogenic (1). Last evaluated 2026-01-14.

Conditions:
Dilated cardiomyopathy 1G (CMD1G). Identifiers: Orphanet 154, MedGen C1858763, MONDO:0011400, OMIM 604145.
Autosomal recessive limb-girdle muscular dystrophy type 2J (LGMDR10). Also called: MUSCULAR DYSTROPHY, LIMB-GIRDLE, AUTOSOMAL RECESSIVE 10; Limb-girdle muscular dystrophy, type 2J. Identifiers: Orphanet 140922, MedGen C1837342, MONDO:0012127, OMIM 608807.

Submissions (2):

Labcorp Genetics (formerly Invitae), Labcorp
Classification: Likely pathogenic for Dilated cardiomyopathy 1G; Autosomal recessive limb-girdle muscular dystrophy type 2J. Last evaluated: 2026-01-14. Review status: criteria provided, single submitter. Criteria: Invitae Variant Classification Sherloc (09022015). Collection method: clinical testing. Allele origin: germline.
Comment: This sequence change creates a premature translational stop signal (p.Ser17274*) in the TTN gene. While this is not anticipated to result in nonsense mediated decay, it is expected to create a truncated TTN protein. This variant is not present in population databases (gnomAD no frequency). This variant has not been reported in the literature in individuals affected with TTN-related conditions. ClinVar contains an entry for this variant (Variation ID: 202385). This variant is located in the A band of TTN (PMID: 25589632). Truncating variants in this region are significantly overrepresented in patients affected with dilated cardiomyopathy (PMID: 25589632). Truncating variants in this region have also been reported in individuals affected with autosomal recessive centronuclear myopathy (PMID: 23975875). In summary, the currently available evidence indicates that the variant is pathogenic, but additional data are needed to prove that conclusively. Therefore, this variant has been classified as Likely Pathogenic.

GeneDx
Classification: Pathogenic. Last evaluated: 2017-11-28. Review status: criteria provided, single submitter. Criteria: GeneDx Variant Classification (06012015). Collection method: clinical testing. Allele origin: germline. Affected: yes.
Comment: The S15633X pathogenic variant in the TTN gene has not been reported previously as a disease-causing pathogenic variant or as a benign variant, to our knowledge. This variant is predicted to cause loss of normal protein function either due to production of an abnormal, prematurely truncated protein, or by absence of protein product due to nonsense mediated mRNA decay. Other truncating TTN variants have been reported in approximately 3% of control alleles (Herman et al., 2012). However, S15633X is located in the A-band region of titin, where the majority of truncating pathogenic variants associated with DCM have been reported (Herman et al., 2012). Furthermore, the S15633X variant is not observed in large population cohorts (Lek et al., 2016).

Literature cited by the submitters: PubMed 25589632 (cited by Labcorp Genetics (formerly Invitae), Labcorp); PubMed 23975875 (cited by Labcorp Genetics (formerly Invitae), Labcorp).

NM_001267550.2(TTN):c.51821C>A (p.Ser17274Ter)

Genes: TTN (titin; minus strand), TTN-AS1 (TTN antisense RNA 1; plus strand). Cytogenetic location: 2q31.2.
Variant type: single nucleotide variant.
Coding change: c.51821C>A on transcript NM_001267550.2 (MANE Select); coding-DNA position 51821, C replaced by A.
Protein change: p.Ser17274Ter; replaces serine 17274 with a stop codon.
Molecular consequence: nonsense.
Genome position (GRCh38, 1-based): chr2:178,609,489, G>T on the plus strand (C>A on the coding strand, the complement: TTN is on the minus strand). VCF-style: chr2-178609489-G-T. GRCh37 (hg19) VCF-style: chr2-179474216-G-T.
Other names: p.S15633*:TCA>TAA; c.46898C>A, p.Ser15633Ter (NM_001256850.1); c.24626C>A, p.Ser8209Ter (NM_003319.4); c.44117C>A, p.Ser14706Ter (NM_133378.4); c.25001C>A, p.Ser8334Ter (NM_133432.3); c.25202C>A, p.Ser8401Ter (NM_133437.4); short protein forms S15633*, S17274*, S8334*, S14706*, S8209*, S8401*.
Identifiers: ClinVar variation 202385 (VCV000202385.5), dbSNP rs794729270, ClinGen allele CA309258.
Genomic context (GRCh38, chr2:178,609,489, plus strand): 5'-TTAATTTCCTCTGGTACAATAACATTTTCATCCTTTATCCATGTAATAGTTGGGTAAGGT[G>T]ATCCAGAAATACTTGCATCAAGTGCTATTTCATCACCTCGTTTCACTTCTAGGCTTGTTC-3'